The following is an entry in ClinVar:

ClinVar aggregate classification (germline): Uncertain significance (1 of 4 stars; one submission).

gnomAD v4.1: 2 of 1,597,194 alleles (0.00013%); highest among the groups gnomAD compares: Non-Finnish European, 0.00017%; no homozygotes.

Submission:

GeneDx
Classification: Uncertain significance. Last evaluated: 2023-11-01. Review status: criteria provided, single submitter. Criteria: GeneDx Variant Classification Process June 2021. Collection method: clinical testing. Allele origin: germline. Affected: yes.
Comment: Not observed at significant frequency in large population cohorts (gnomAD); In silico analysis supports that this missense variant has a deleterious effect on protein structure/function; Has not been previously published as pathogenic or benign to our knowledge

NM_000719.7(CACNA1C):c.1537T>C (p.Cys513Arg)

Gene: CACNA1C (calcium voltage-gated channel subunit alpha1 C; plus strand). Cytogenetic location: 12p13.33.
Variant type: single nucleotide variant.
Coding change: c.1537T>C on transcript NM_000719.7 (MANE Select); coding-DNA position 1537, T replaced by C.
Protein change: p.Cys513Arg; replaces cysteine 513 with arginine.
Molecular consequence: missense variant.
Genome position (GRCh38, 1-based): chr12:2,566,450, T>C. VCF-style: chr12-2566450-T-C. GRCh37 (hg19) VCF-style: chr12-2675616-T-C.
Other names: c.1537T>C, p.Cys513Arg (NM_001129827.2, NM_001129829.2, NM_001129830.3 and 18 more transcripts); c.1528T>C, p.Cys510Arg (NM_001129844.2); short protein forms C510R, C513R.
Identifiers: ClinVar variation 3363747 (VCV003363747.1).